The following is an entry in ClinVar:

ClinVar aggregate classification (germline): Pathogenic (1 of 4 stars; one submission).

Submission:

Labcorp Genetics (formerly Invitae), Labcorp
Classification: Pathogenic. Last evaluated: 2024-10-20. Review status: criteria provided, single submitter. Criteria: Invitae Variant Classification Sherloc (09022015). Collection method: clinical testing. Allele origin: germline.
Comment: This sequence change creates a premature translational stop signal (p.Lys125Glufs*43) in the ZBTB18 gene. While this is not anticipated to result in nonsense mediated decay, it is expected to disrupt the last 407 amino acid(s) of the ZBTB18 protein. This variant is not present in population databases (gnomAD no frequency). This variant has not been reported in the literature in individuals affected with ZBTB18-related conditions. This variant disrupts a region of the ZBTB18 protein in which other variant(s) (p.His469Arg) have been determined to be pathogenic (internal data). This suggests that this is a clinically significant region of the protein, and that variants that disrupt it are likely to be disease-causing. For these reasons, this variant has been classified as Pathogenic.

NM_205768.3(ZBTB18):c.371dup (p.Lys125fs)

Gene: ZBTB18 (zinc finger and BTB domain containing 18; plus strand). Cytogenetic location: 1q44.
Variant type: Duplication.
Coding change: c.371dup on transcript NM_205768.3 (MANE Select); coding-DNA position 371, one base duplicated (A; older notation c.371dupA).
Protein change: p.Lys125fs; shifts the reading frame from lysine 125.
Molecular consequence: frameshift variant.
Genome position (GRCh38, 1-based): chr1:244,054,145, A duplicated; the last of 5 consecutive A bases (chr1:244,054,141-244,054,145); duplicating any one gives the same sequence. VCF-style (leftmost placement, unchanged base first): chr1-244054140-C-CA. GRCh37 (hg19) VCF-style: chr1-244217442-C-CA.
Other names: c.344dup, p.Lys116fs (NM_001278196.2, NM_006352.5); c.371dup, p.Lys125fs (NM_001421566.1); short protein forms K116fs, K125fs.
Identifiers: ClinVar variation 3723313 (VCV003723313.2).
Genomic context (GRCh38, chr1:244,054,140, plus strand): 5'-CATTGAAGACGTGCTAGCAGCTGCCAGTTATCTCCACATGTATGACATTGTCAAAGTCTG[C>CA]AAAAAGAAGCTGAAAGAGAAAGCCACCACGGAGGCAGACAGCACCAAAAAGGAAGAAGAT-3'